The following is an entry in ClinVar:

ClinVar aggregate classification (germline): Likely benign. Review status: criteria provided, multiple submitters, no conflicts (2 of 4 stars). 2 submissions from 2 submitters: Likely benign (2). Last evaluated 2025-11-01.

Allele frequency attached by ClinVar (database versions not stated): gnomAD 0.00001; gnomAD exomes 0.00001; TOPMed 0.00001.
gnomAD v4.1: 12 of 1,613,974 alleles (0.00074%); highest among the groups gnomAD compares: Non-Finnish European, 0.00093%; no homozygotes.

Submissions (2):

CeGaT Center for Human Genetics Tuebingen
Classification: Likely benign. Last evaluated: 2025-11-01. Review status: criteria provided, single submitter. Criteria: CeGaT Center For Human Genetics Tuebingen Variant Classification Criteria Version 2. Collection method: clinical testing. Allele origin: germline. Affected: yes. Observed: 1 variant allele.
Comment: KCNQ5: BP4, BP7

Labcorp Genetics (formerly Invitae), Labcorp
Classification: Likely benign. Last evaluated: 2023-11-24. Review status: criteria provided, single submitter. Criteria: Invitae Variant Classification Sherloc (09022015). Collection method: clinical testing. Allele origin: germline.

NM_019842.4(KCNQ5):c.750C>T (p.Gly250=)

Gene: KCNQ5 (potassium voltage-gated channel subfamily Q member 5; plus strand). Cytogenetic location: 6q13.
Variant type: single nucleotide variant.
Coding change: c.750C>T on transcript NM_019842.4 (MANE Select); coding-DNA position 750, C replaced by T.
Protein change: p.Gly250=; no amino-acid change (glycine 250 retained).
Molecular consequence: synonymous variant.
Genome position (GRCh38, 1-based): chr6:73,077,455, C>T. VCF-style: chr6-73077455-C-T. GRCh37 (hg19) VCF-style: chr6-73787178-C-T.
Other names: c.750C>T, p.Gly250= (NM_001160130.2, NM_001160132.2, NM_001160133.2 and 1 more transcripts).
Identifiers: ClinVar variation 2902114 (VCV002902114.9), dbSNP rs1337587373, ClinGen allele CA450958271.
Genomic context (GRCh38, chr6:73,077,455, plus strand): 5'-ACTCAGAAGTCTCCGTTTCCTACAGATCCTCCGCATGGTGCGCATGGACCGAAGGGGAGG[C>T]ACTTGGAAATTACTGGGTTCAGTGGTTTATGCTCACAGCAAGGTAAGATTTGCTCTCTGA-3'
Protein context (NP_062816.2, residues 240-260): LRMVRMDRRG[Gly250=]TWKLLGSVVY